The following is an entry in ClinVar:

NM_001943.5(DSG2):c.2334+9G>A

Genes: DSG2 (desmoglein 2; plus strand), DSG2-AS1 (DSG2 antisense RNA 1; minus strand). Cytogenetic location: 18q12.1.
Variant type: single nucleotide variant.
Coding change: c.2334+9G>A on transcript NM_001943.5 (MANE Select); 9 bases into the intron after coding-DNA position 2334, G replaced by A.
Molecular consequence: intron variant.
Genome position (GRCh38, 1-based): chr18:31,542,861, G>A. VCF-style: chr18-31542861-G-A. GRCh37 (hg19) VCF-style: chr18-29122824-G-A.
Other names: c.2334+9G>A (LRG_397t1, NM_001943.4).
Identifiers: ClinVar variation 377805 (VCV000377805.19), dbSNP rs776516070, ClinGen allele CA045685.
Genomic context (GRCh38, chr18:31,542,861, plus strand): 5'-GGCAGCTGCTGTTGCACTGAACGAAGAATTCTTAAGAAATTATTTCACTGATGTAAGGAT[G>A]AGTTTTATGTATTGGTGGTGGGGGGTGGGGGGAACATTTGTATGTGAATGTGATATTATT-3'

ClinVar aggregate classification (germline): Conflicting classifications of pathogenicity. Review status: criteria provided, conflicting classifications (1 of 4 stars). 5 submissions from 5 submitters: Uncertain significance (1); Benign (1); Likely benign (2). 1 of the submissions does not count toward it. Last evaluated 2026-01-14.

Conditions:
DSG2-related disorder. Also called: DSG2-related condition.
Arrhythmogenic right ventricular dysplasia 10. Also called: ARRHYTHMOGENIC RIGHT VENTRICULAR DYSPLASIA, FAMILIAL, 10; Arrhythmogenic right ventricular dysplasia/cardiomyopathy, type 10; Arrhythmogenic Right Ventricular Dysplasia/Cardiomyopathy10. Identifiers: MedGen C1857777, MONDO:0012434, OMIM 610193.

Allele frequency attached by ClinVar (database versions not stated): gnomAD exomes 0.00004 and 0.00018; gnomAD 0.00005; TOPMed 0.00008; ExAC 0.00014.
gnomAD v4.1: 45 of 1,123,480 alleles (0.004%); highest among the groups gnomAD compares: Admixed American, 0.11%; no homozygotes.

Submissions (5):

Labcorp Genetics (formerly Invitae), Labcorp
Classification: Benign for Arrhythmogenic right ventricular dysplasia 10. Last evaluated: 2026-01-14. Review status: criteria provided, single submitter. Criteria: Invitae Variant Classification Sherloc (09022015). Collection method: clinical testing. Allele origin: germline.

Women's Health and Genetics/Laboratory Corporation of America, LabCorp
Classification: Likely benign. Last evaluated: 2025-09-08. Review status: criteria provided, single submitter. Criteria: LabCorp Variant Classification Summary - May 2015. Collection method: clinical testing. Allele origin: germline.

Illumina Laboratory Services, Illumina
Classification: Uncertain significance for Arrhythmogenic right ventricular dysplasia 10. Last evaluated: 2018-01-13. Review status: criteria provided, single submitter. Criteria: ICSL Variant Classification Criteria 13 December 2019. Collection method: clinical testing. Allele origin: germline.

GeneDx
Classification: Likely benign. Last evaluated: 2016-07-06. Review status: criteria provided, single submitter. Criteria: GeneDx Variant Classification (06012015). Collection method: clinical testing. Allele origin: germline. Affected: yes.
Comment: This variant is considered likely benign or benign based on one or more of the following criteria: it is a conservative change, it occurs at a poorly conserved position in the protein, it is predicted to be benign by multiple in silico algorithms, and/or has population frequency not consistent with disease.

PreventionGenetics, part of Exact Sciences
Classification: Likely benign for DSG2-related condition. Last evaluated: 2019-10-01. Review status: no assertion criteria provided. Collection method: clinical testing. Allele origin: germline. Not counted in ClinVar's aggregate classification.
Comment: This variant is classified as likely benign based on ACMG/AMP sequence variant interpretation guidelines (Richards et al. 2015 PMID: 25741868, with internal and published modifications).